The following is an entry in ClinVar:

NM_170784.3(MKKS):c.534C>T (p.Ile178=)

Gene: MKKS (MKKS centrosomal shuttling protein; minus strand). Cytogenetic location: 20p12.2.
Variant type: single nucleotide variant.
Coding change: c.534C>T on transcript NM_170784.3 (MANE Select); coding-DNA position 534, C replaced by T.
Protein change: p.Ile178=; no amino-acid change (isoleucine 178 retained).
Molecular consequence: synonymous variant.
Genome position (GRCh38, 1-based): chr20:10,412,981, G>A on the plus strand (C>T on the coding strand, the complement: MKKS is on the minus strand). VCF-style: chr20-10412981-G-A. GRCh37 (hg19) VCF-style: chr20-10393629-G-A.
Other names: p.Ile178=; c.534C>T; c.534C>T, p.Ile178= (NM_018848.3).
Identifiers: ClinVar variation 21671 (VCV000021671.29), dbSNP rs17852625, ClinGen allele CA202398.

ClinVar aggregate classification (germline): Benign. Review status: criteria provided, multiple submitters, no conflicts (2 of 4 stars). 13 submissions from 12 submitters: Benign (8). 5 of the submissions do not count toward it. Last evaluated 2026-02-04.

Conditions:
MKKS-related disorder. Also called: MKKS-related condition; MKKS-related disorders.
Bardet-Biedl syndrome (BBS). Identifiers: Orphanet 110, MedGen C0752166, MONDO:0015229.
McKusick-Kaufman syndrome (MKKS). Also called: HYDROMETROCOLPOS SYNDROME; HYDROMETROCOLPOS, POSTAXIAL POLYDACTYLY, AND CONGENITAL HEART MALFORMATION. Identifiers: Orphanet 2473, MedGen C0948368, MONDO:0009367, OMIM 236700.
Bardet-Biedl syndrome 6 (BBS6). Identifiers: Orphanet 110, MedGen C1858054, MONDO:0011523, OMIM 605231.

Allele frequency attached by ClinVar (database versions not stated): 1000 Genomes Project 0.19149; gnomAD exomes 0.12384 and 0.14021; ESP Exome Variant Server 0.13148; gnomAD 0.14082 and 0.14499; ExAC 0.14327; TOPMed 0.14397; 1000 Genomes Project 30x 0.18957.
gnomAD v4.1: 203,531 of 1,613,754 alleles (13%); highest among the groups gnomAD compares: East Asian, 24%; 14,343 homozygotes.

Submissions (13):

Labcorp Genetics (formerly Invitae), Labcorp
Classification: Benign for McKusick-Kaufman syndrome; Bardet-Biedl syndrome. Last evaluated: 2026-02-04. Review status: criteria provided, single submitter. Criteria: Invitae Variant Classification Sherloc (09022015). Collection method: clinical testing. Allele origin: germline.

Blueprint Genetics
Classification: Benign. Last evaluated: 2024-11-28. Review status: criteria provided, single submitter. Criteria: ACMG Guidelines, 2015. Collection method: clinical testing. Allele origin: germline.

Mayo Clinic Laboratories, Mayo Clinic
Classification: Benign. Last evaluated: 2022-03-09. Review status: criteria provided, single submitter. Criteria: ACMG Guidelines, 2015. Collection method: clinical testing. Allele origin: germline. Observed: 18 variant alleles.

Illumina Laboratory Services, Illumina
Classification: Benign for McKusick-Kaufman syndrome. Last evaluated: 2018-01-13. Review status: criteria provided, single submitter. Criteria: ICSL Variant Classification Criteria 13 December 2019. Collection method: clinical testing. Allele origin: germline.
Comment: This variant was observed in the ICSL laboratory as part of a predisposition screen in an ostensibly healthy population. It had not been previously curated by ICSL or reported in the Human Gene Mutation Database (HGMD: prior to June 1st, 2018), and was therefore a candidate for classification through an automated scoring system. Utilizing variant allele frequency, disease prevalence and penetrance estimates, and inheritance mode, an automated score was calculated to assess if this variant is too frequent to cause the disease. Based on the score and internal cut-off values, a variant classified as benign is not then subjected to further curation. The score for this variant resulted in a classification of benign for this disease.

Illumina Laboratory Services, Illumina
Classification: Benign for Bardet-Biedl syndrome 6. Last evaluated: 2018-01-13. Review status: criteria provided, single submitter. Criteria: ICSL Variant Classification Criteria 13 December 2019. Collection method: clinical testing. Allele origin: germline.
Comment: the same text as in the submission from Illumina Laboratory Services, Illumina above.

GeneDx
Classification: Benign. Last evaluated: 2016-07-07. Review status: criteria provided, single submitter. Criteria: GeneDx Variant Classification (06012015). Collection method: clinical testing. Allele origin: germline. Affected: yes.
Comment: This variant is considered likely benign or benign based on one or more of the following criteria: it is a conservative change, it occurs at a poorly conserved position in the protein, it is predicted to be benign by multiple in silico algorithms, and/or has population frequency not consistent with disease.

Eurofins Ntd Llc (ga)
Classification: Benign. Last evaluated: 2015-04-06. Review status: criteria provided, single submitter. Criteria: EGL Classification Definitions 2015. Collection method: clinical testing. Allele origin: germline. Observed: 1 variant allele, 1 heterozygote.

Breakthrough Genomics
Classification: Benign. Review status: criteria provided, single submitter. Criteria: ACMG Guidelines, 2015. Collection method: not provided. Allele origin: germline. Inheritance: Autosomal recessive inheritance. Affected: yes.

PreventionGenetics, part of Exact Sciences
Classification: Benign for MKKS-related condition. Last evaluated: 2024-04-30. Review status: no assertion criteria provided. Collection method: clinical testing. Allele origin: germline. Not counted in ClinVar's aggregate classification.
Comment: This variant is classified as benign based on ACMG/AMP sequence variant interpretation guidelines (Richards et al. 2015 PMID: 25741868, with internal and published modifications).

GeneReviews
Classification: Benign for Bardet-Biedl Syndrome. Last evaluated: 2009-10-13. Review status: no assertion criteria provided. Collection method: curation. Allele origin: unknown. Not counted in ClinVar's aggregate classification.
ClinVar note: Converted during submission from benign to Benign.

Clinical Genetics DNA and cytogenetics Diagnostics Lab, Erasmus MC, Erasmus Medical Center
Classification: Benign. Review status: no assertion criteria provided. Collection method: clinical testing. Allele origin: germline. Affected: yes. Study: VKGL Data-share Consensus. Not counted in ClinVar's aggregate classification.

Department of Ophthalmology and Visual Sciences Kyoto University
Classification: Likely benign. Review status: no assertion criteria provided. Collection method: not provided. Allele origin: unknown. Not counted in ClinVar's aggregate classification.
ClinVar note: Converted during submission from probable-non-pathogenic to Likely benign.

Joint Genome Diagnostic Labs from Nijmegen and Maastricht, Radboudumc and MUMC+
Classification: Benign. Review status: no assertion criteria provided. Collection method: clinical testing. Allele origin: germline. Affected: yes. Study: VKGL Data-share Consensus. Not counted in ClinVar's aggregate classification.